The following is an entry in ClinVar:

ClinVar aggregate classification (germline): Likely pathogenic (1 of 4 stars; one submission).

gnomAD v4.1: 1 of 1,613,888 alleles (0.000062%); highest among the groups gnomAD compares: Non-Finnish European, 0.000085%; no homozygotes.

Submissions (2):

Labcorp Genetics (formerly Invitae), Labcorp
Classification: Likely pathogenic. Last evaluated: 2023-12-21. Review status: criteria provided, single submitter. Criteria: Invitae Variant Classification Sherloc (09022015). Collection method: clinical testing. Allele origin: germline.
Comment: This sequence change affects an acceptor splice site in intron 8 of the RARS2 gene. It is expected to disrupt RNA splicing. Variants that disrupt the donor or acceptor splice site typically lead to a loss of protein function (PMID: 16199547), and loss-of-function variants in RARS2 are known to be pathogenic (PMID: 17847012, 22569581, 26083569). This variant is present in population databases (no rsID available, gnomAD 0.0009%). This variant has not been reported in the literature in individuals affected with RARS2-related conditions. Algorithms developed to predict the effect of sequence changes on RNA splicing suggest that this variant may disrupt the consensus splice site. In summary, the currently available evidence indicates that the variant is pathogenic, but additional data are needed to prove that conclusively. Therefore, this variant has been classified as Likely Pathogenic.

Dr. Peter K. Rogan Lab, Western University
No classification provided (evidence only). Condition: Nonpapillary renal cell carcinoma. Review status: no classification provided. Collection method: in vitro. Allele origin: not applicable. Functional consequence: retained intron. Not counted in ClinVar's aggregate classification.

Literature cited by the submitters: PubMed 16199547 (cited by Labcorp Genetics (formerly Invitae), Labcorp); PubMed 17847012 (cited by Labcorp Genetics (formerly Invitae), Labcorp); PubMed 22569581 (cited by Labcorp Genetics (formerly Invitae), Labcorp); PubMed 26083569 (cited by Labcorp Genetics (formerly Invitae), Labcorp).

NM_020320.5(RARS2):c.613-1G>A

Gene: RARS2 (arginyl-tRNA synthetase 2, mitochondrial; minus strand). Cytogenetic location: 6q15.
Variant type: single nucleotide variant.
Coding change: c.613-1G>A on transcript NM_020320.5 (MANE Select); the canonical splice acceptor site of the intron before coding-DNA position 613, G replaced by A.
Molecular consequence: splice acceptor variant.
Genome position (GRCh38, 1-based): chr6:87,530,943, C>T on the plus strand (G>A on the coding strand, the complement: RARS2 is on the minus strand). VCF-style: chr6-87530943-C-T. GRCh37 (hg19) VCF-style: chr6-88240661-C-T.
Other names: c.613-1G>A (NM_001350505.2); c.88-1G>A (NM_001350509.2, NM_001318785.2, NM_001350506.2 and 4 more transcripts).
Identifiers: ClinVar variation 2704778 (VCV002704778.4), dbSNP rs1213073076, ClinGen allele CA364929874.